The following is an entry in ClinVar:

NM_001127453.2(GSDME):c.681A>C (p.Lys227Asn)

Gene: GSDME (gasdermin E; minus strand). Cytogenetic location: 7p15.3.
Variant type: single nucleotide variant.
Coding change: c.681A>C on transcript NM_001127453.2 (MANE Select); coding-DNA position 681, A replaced by C.
Protein change: p.Lys227Asn; replaces lysine 227 with asparagine.
Molecular consequence: missense variant.
Genome position (GRCh38, 1-based): chr7:24,717,270, T>G on the plus strand (A>C on the coding strand, the complement: GSDME is on the minus strand). VCF-style: chr7-24717270-T-G. GRCh37 (hg19) VCF-style: chr7-24756889-T-G.
Other names: c.189A>C, p.Lys63Asn (NM_001127454.2, NM_001438059.1); c.681A>C, p.Lys227Asn (NM_004403.3); short protein forms K63N, K227N.
Identifiers: ClinVar variation 4987887 (VCV004987887.1).

ClinVar aggregate classification (germline): Uncertain significance (1 of 4 stars; one submission).

Conditions:
GSDME-related disorder. Also called: GSDME-related condition.

gnomAD v4.1: 32 of 1,591,772 alleles (0.002%); highest among the groups gnomAD compares: Non-Finnish European, 0.0026%; no homozygotes.

Submission:

PreventionGenetics, part of Exact Sciences
Classification: Uncertain significance for GSDME-related condition. Last evaluated: 2026-03-31. Review status: criteria provided, single submitter. Criteria: ACMG Guidelines, 2015. Collection method: clinical testing. Allele origin: germline.
Comment: The GSDME c.681A>C variant is predicted to result in the amino acid substitution p.Lys227Asn. To our knowledge, this variant has not been reported in the literature. This variant is reported in 0.0062% of alleles in individuals of African descent in gnomAD. At this time, the clinical significance of this variant is uncertain due to the absence of conclusive functional and genetic evidence.